The following is an entry in ClinVar:

ClinVar aggregate classification (germline): Uncertain significance (1 of 4 stars; one submission).

Conditions:
Werner syndrome (WRN). Identifiers: Orphanet 902, MedGen C0043119, MONDO:0010196, OMIM 277700.

Submission:

Labcorp Genetics (formerly Invitae), Labcorp
Classification: Uncertain significance for Werner syndrome. Last evaluated: 2016-10-11. Review status: criteria provided, single submitter. Criteria: Invitae Variant Classification Sherloc (09022015). Collection method: clinical testing. Allele origin: germline.
Comment: In summary, this variant is a novel missense change with uncertain impact on protein function. It has been classified as a Variant of Uncertain Significance. Algorithms developed to predict the effect of missense changes on protein structure and function do not agree on the potential impact of this missense change (SIFT: "Deleterious"; PolyPhen-2: "Possibly Damaging"; Align-GVGD: "Class C0"). This variant is not present in population databases (ExAC no frequency) and has not been reported in the literature in individuals with a WRN-related disease. This sequence change replaces glutamic acid with alanine at codon 406 of the WRN protein (p.Glu406Ala). The glutamic acid residue is highly conserved and there is a moderate physicochemical difference between glutamic acid and alanine.

NM_000553.6(WRN):c.1217A>C (p.Glu406Ala)

Gene: WRN (WRN RecQ like helicase; plus strand). Cytogenetic location: 8p12.
Variant type: single nucleotide variant.
Coding change: c.1217A>C on transcript NM_000553.6 (MANE Select); coding-DNA position 1217, A replaced by C.
Protein change: p.Glu406Ala; replaces glutamic acid 406 with alanine.
Molecular consequence: missense variant.
Genome position (GRCh38, 1-based): chr8:31,081,244, A>C. VCF-style: chr8-31081244-A-C. GRCh37 (hg19) VCF-style: chr8-30938760-A-C.
Other names: short protein forms E406A.
Identifiers: ClinVar variation 404014 (VCV000404014.3), dbSNP rs1060500068, ClinGen allele CA16612588.